The following is an entry in ClinVar:

ClinVar aggregate classification (germline): Conflicting classifications of pathogenicity. Review status: criteria provided, conflicting classifications (1 of 4 stars). 3 submissions from 2 submitters: Uncertain significance (1); Benign (1); Likely benign (1). Last evaluated 2026-02-01.

Conditions:
Brachydactyly type B1 (BDB1). Identifiers: Orphanet 572385, Orphanet 93383, MedGen C1862112, MONDO:0007220, OMIM 113000.
Autosomal recessive Robinow syndrome (RRS1). Also called: COSTOVERTEBRAL SEGMENTATION DEFECT WITH MESOMELIA; COVESDEM SYNDROME; ROR2-Related Robinow Syndrome; ROBINOW SYNDROME, AUTOSOMAL RECESSIVE 1. Identifiers: Orphanet 1507, Orphanet 97360, MedGen C5399974, MONDO:0009999, OMIM 268310.

Allele frequency attached by ClinVar (database versions not stated): ExAC 0.00002; TOPMed 0.00005; gnomAD 0.00006 and 0.00007; ESP Exome Variant Server 0.00008.
gnomAD v4.1: 37 of 1,614,196 alleles (0.0023%); highest among the groups gnomAD compares: Middle Eastern, 0.016%; no homozygotes.

Submissions (3):

Labcorp Genetics (formerly Invitae), Labcorp
Classification: Likely benign. Last evaluated: 2026-02-01. Review status: criteria provided, single submitter. Criteria: Invitae Variant Classification Sherloc (09022015). Collection method: clinical testing. Allele origin: germline.

Illumina Laboratory Services, Illumina
Classification: Benign for Brachydactyly type B1. Last evaluated: 2018-01-12. Review status: criteria provided, single submitter. Criteria: ICSL Variant Classification Criteria 13 December 2019. Collection method: clinical testing. Allele origin: germline.
Comment: This variant was observed in the ICSL laboratory as part of a predisposition screen in an ostensibly healthy population. It had not been previously curated by ICSL or reported in the Human Gene Mutation Database (HGMD: prior to June 1st, 2018), and was therefore a candidate for classification through an automated scoring system. Utilizing variant allele frequency, disease prevalence and penetrance estimates, and inheritance mode, an automated score was calculated to assess if this variant is too frequent to cause the disease. Based on the score and internal cut-off values, a variant classified as benign is not then subjected to further curation. The score for this variant resulted in a classification of benign for this disease.

Illumina Laboratory Services, Illumina
Classification: Uncertain significance for Autosomal recessive Robinow syndrome. Last evaluated: 2018-01-12. Review status: criteria provided, single submitter. Criteria: ICSL Variant Classification Criteria 13 December 2019. Collection method: clinical testing. Allele origin: germline.

NM_004560.4(ROR2):c.2034C>T (p.Tyr678=)

Gene: ROR2 (receptor tyrosine kinase like orphan receptor 2; minus strand). Cytogenetic location: 9q22.31.
Variant type: single nucleotide variant.
Coding change: c.2034C>T on transcript NM_004560.4 (MANE Select); coding-DNA position 2034, C replaced by T.
Protein change: p.Tyr678=; no amino-acid change (tyrosine 678 retained).
Molecular consequence: synonymous variant.
Genome position (GRCh38, 1-based): chr9:91,724,460, G>A on the plus strand (C>T on the coding strand, the complement: ROR2 is on the minus strand). VCF-style: chr9-91724460-G-A. GRCh37 (hg19) VCF-style: chr9-94486742-G-A.
Identifiers: ClinVar variation 913199 (VCV000913199.10), dbSNP rs199681534, ClinGen allele CA5120504.